The following is an entry in ClinVar:

NM_130384.3(ATRIP):c.1192G>A (p.Gly398Arg)

Genes: ATRIP (ATR interacting protein; plus strand), ATRIP-TREX1 (ATRIP-TREX1 readthrough; plus strand). Cytogenetic location: 3p21.31.
Variant type: single nucleotide variant.
Coding change: c.1192G>A on transcript NM_130384.3 (MANE Select); coding-DNA position 1192, G replaced by A.
Protein change: p.Gly398Arg; replaces glycine 398 with arginine.
Molecular consequence: missense variant. On other transcripts: non-coding transcript variant (1).
Genome position (GRCh38, 1-based): chr3:48,460,246, G>A. VCF-style: chr3-48460246-G-A. GRCh37 (hg19) VCF-style: chr3-48501645-G-A.
Other names: c.811G>A, p.Gly271Arg (NM_001271022.2); c.913G>A, p.Gly305Arg (NM_001271023.2); c.1192G>A, p.Gly398Arg (NM_032166.4); short protein forms G271R, G305R, G398R.
Identifiers: ClinVar variation 3976187 (VCV003976187.1).

ClinVar aggregate classification (germline): Uncertain significance (1 of 4 stars; one submission).

Submission:

Ambry Genetics
Classification: Uncertain significance. Last evaluated: 2025-04-17. Review status: criteria provided, single submitter. Criteria: Ambry Variant Classification Scheme 2023. Collection method: clinical testing. Allele origin: germline.
Comment: The p.G398R variant (also known as c.1192G>A), located in coding exon 8 of the ATRIP gene, results from a G to A substitution at nucleotide position 1192. The glycine at codon 398 is replaced by arginine, an amino acid with dissimilar properties. This amino acid position is conserved. In addition, this alteration is predicted to be tolerated by in silico analysis. Based on the available evidence, the clinical significance of this variant remains unclear.